The following is an entry in ClinVar:

NM_000218.3(KCNQ1):c.1394-6222G>T

Genes: KCNQ1 (potassium voltage-gated channel subfamily Q member 1; plus strand), KCNQ1OT1 (KCNQ1 opposite strand/antisense transcript 1; minus strand). Cytogenetic location: 11p15.5.
Variant type: single nucleotide variant.
Coding change: c.1394-6222G>T on transcript NM_000218.3 (MANE Select); 6222 bases into the intron before coding-DNA position 1394, G replaced by T.
Molecular consequence: intron variant. On other transcripts: non-coding transcript variant (1).
Genome position (GRCh38, 1-based): chr11:2,655,739, G>T. VCF-style: chr11-2655739-G-T. GRCh37 (hg19) VCF-style: chr11-2676969-G-T.
Other names: c.1124-6222G>T (NM_001406837.1); c.1298-6222G>T (NM_001406836.1); c.854-6222G>T (NM_001406838.1); c.1013-6222G>T (NM_181798.2).
Identifiers: ClinVar variation 4985164 (VCV004985164.1).

ClinVar aggregate classification (germline): Likely benign (1 of 4 stars; one submission).

Conditions:
KCNQ1-related disorder. Also called: KCNQ1-related disorders; KCNQ1-related condition. Identifiers: MedGen CN239322.

Submission:

PreventionGenetics, part of Exact Sciences
Classification: Likely benign for KCNQ1-related condition. Last evaluated: 2025-06-16. Review status: criteria provided, single submitter. Criteria: ACMG Guidelines, 2015. Collection method: clinical testing. Allele origin: germline.
Comment: This variant is classified as likely benign based on ACMG/AMP sequence variant interpretation guidelines (Richards et al. 2015 PMID: 25741868, with internal and published modifications).